The following is an entry in ClinVar:

ClinVar aggregate classification (germline): Uncertain significance (1 of 4 stars; one submission).

Conditions:
Dystonia 24 (DYT24). Also called: DYT-ANO3. Identifiers: Orphanet 420485, MedGen C3554374, MONDO:0014019, OMIM 615034.

Submission:

3billion
Classification: Uncertain significance for Dystonia 24. Last evaluated: 2025-07-10. Review status: criteria provided, single submitter. Criteria: ACMG Guidelines, 2015. Collection method: clinical testing. Allele origin: germline. Affected: yes.
Comment: The variant is not observed in the gnomAD v4.1.0 dataset. Predicted Consequence/Location: Missense variant. Missense changes are a common disease-causing mechanism. Damaging effect on gene or gene product predicted by in silico programs is uncertain [REVEL: 0.31 (damaging >=0.6, benign <0.4), 3Cnet: 0.67 (damaging >0.75, benign <0.1)]. Therefore, this variant is classified as VUS according to the recommendation of ACMG/AMP guideline.

NM_031418.4(ANO3):c.1538T>G (p.Leu513Arg)

Gene: ANO3 (anoctamin 3; plus strand). Cytogenetic location: 11p14.2.
Variant type: single nucleotide variant.
Coding change: c.1538T>G on transcript NM_031418.4 (MANE Select); coding-DNA position 1538, T replaced by G.
Protein change: p.Leu513Arg; replaces leucine 513 with arginine.
Molecular consequence: missense variant.
Genome position (GRCh38, 1-based): chr11:26,598,865, T>G. VCF-style: chr11-26598865-T-G. GRCh37 (hg19) VCF-style: chr11-26620412-T-G.
Other names: c.1721T>G, p.Leu574Arg (NM_001313726.2); c.1100T>G, p.Leu367Arg (NM_001313727.2); short protein forms L367R, L513R, L574R.
Identifiers: ClinVar variation 4854508 (VCV004854508.1).